The following is an entry in ClinVar:

ClinVar aggregate classification (germline): Conflicting classifications of pathogenicity. Review status: criteria provided, conflicting classifications (1 of 4 stars). 4 submissions from 4 submitters: Pathogenic (1); Uncertain significance (3). Last evaluated 2026-04-06.

Conditions:
KARS1-related disorder. Also called: KARS1-related disorders.
Autosomal recessive nonsyndromic hearing loss 89. Also called: Deafness, autosomal recessive 89. Identifiers: Orphanet 90636, MedGen C3151351, MONDO:0013489, OMIM 613916.

Allele frequency attached by ClinVar (database versions not stated): gnomAD exomes 0.00002 and 0.00006; gnomAD 0.00003; ExAC 0.00004; TOPMed 0.00009.
gnomAD v4.1: 35 of 1,613,904 alleles (0.0022%); highest among the groups gnomAD compares: Admixed American, 0.027%; no homozygotes.

Submissions (4):

GeneDx
Classification: Uncertain significance. Last evaluated: 2026-04-06. Review status: criteria provided, single submitter. Criteria: GeneDx Variant Classification Process June 2021. Collection method: clinical testing. Allele origin: germline.
Comment: Observed with a second variant (phase unknown) in a patient in published literature with congenital hearing loss, abnormality in the white matter on MRI, and adult-onset of progressive neurocognitive decline, hypertonia, seizures, ataxia, and abnormal movement (Sun et al., 2019); Reported with a second variant (phase unknown) in a patient with hearing loss in published literature (Safka Brozkova et al., 2021); In silico analysis supports that this missense variant has a deleterious effect on protein structure/function; This variant is associated with the following publications: (PMID: 34062854, 31192300, 39062730)

Labcorp Genetics (formerly Invitae), Labcorp
Classification: Uncertain significance. Last evaluated: 2026-01-19. Review status: criteria provided, single submitter. Criteria: Invitae Variant Classification Sherloc (09022015). Collection method: clinical testing. Allele origin: germline.
Comment: This sequence change replaces isoleucine, which is neutral and non-polar, with threonine, which is neutral and polar, at codon 294 of the KARS protein (p.Ile294Thr). This variant is present in population databases (rs762673443, gnomAD 0.03%). This missense change has been observed in individuals with deafness and/or clinical features of Leigh syndrome (PMID: 31192300, 34062854). ClinVar contains an entry for this variant (Variation ID: 1064651). An algorithm developed to predict the effect of missense changes on protein structure and function (PolyPhen-2) suggests that this variant is likely to be disruptive. Experimental studies have shown that this missense change affects KARS function (PMID: 31192300). In summary, the available evidence is currently insufficient to determine the role of this variant in disease. Therefore, it has been classified as a Variant of Uncertain Significance.

Blueprint Genetics
Classification: Pathogenic for KARS1-related disorders. Last evaluated: 2023-02-03. Review status: criteria provided, single submitter. Criteria: ACMG Guidelines, 2015. Collection method: clinical testing. Allele origin: germline. Affected: yes. Observed: 2 variant alleles.

Neurogenetic Laboratory, Second Faculty of Medicine, Charles University
Classification: Uncertain significance for Autosomal recessive nonsyndromic hearing loss 89. Last evaluated: 2021-03-30. Review status: criteria provided, single submitter. Criteria: ClinGen HL ACMG Specifications v1. Collection method: clinical testing. Allele origin: germline. Affected: yes.

Literature cited by the submitters: PubMed 31192300 (cited by Labcorp Genetics (formerly Invitae), Labcorp); PubMed 34062854 (cited by Labcorp Genetics (formerly Invitae), Labcorp).

NM_005548.3(KARS1):c.797T>C (p.Ile266Thr)

Gene: KARS1 (lysyl-tRNA synthetase 1; minus strand). Cytogenetic location: 16q23.1.
Variant type: single nucleotide variant.
Coding change: c.797T>C on transcript NM_005548.3 (MANE Select); coding-DNA position 797, T replaced by C.
Protein change: p.Ile266Thr; replaces isoleucine 266 with threonine.
Molecular consequence: missense variant.
Genome position (GRCh38, 1-based): chr16:75,634,291, A>G on the plus strand (T>C on the coding strand, the complement: KARS1 is on the minus strand). VCF-style: chr16-75634291-A-G. GRCh37 (hg19) VCF-style: chr16-75668189-A-G.
Other names: c.881T>C, p.Ile294Thr (NM_001130089.2); c.329T>C, p.Ile110Thr (NM_001378148.1); short protein forms I110T, I266T, I294T.
Identifiers: ClinVar variation 1064651 (VCV001064651.9), dbSNP rs762673443, ClinGen allele CA8177492.